The following is an entry in ClinVar:

NM_000477.7(ALB):c.1020C>A (p.Cys340Ter)

Gene: ALB (albumin; plus strand). Cytogenetic location: 4q13.3.
Variant type: single nucleotide variant.
Coding change: c.1020C>A on transcript NM_000477.7 (MANE Select); coding-DNA position 1020, C replaced by A.
Protein change: p.Cys340Ter; replaces cysteine 340 with a stop codon.
Molecular consequence: nonsense.
Genome position (GRCh38, 1-based): chr4:73,413,596, C>A. VCF-style: chr4-73413596-C-A. GRCh37 (hg19) VCF-style: chr4-74279313-C-A.
Other names: short protein forms C340*.
Identifiers: ClinVar variation 4696783 (VCV004696783.1).

ClinVar aggregate classification (germline): Pathogenic (1 of 4 stars; one submission).

Submission:

Labcorp Genetics (formerly Invitae), Labcorp
Classification: Pathogenic. Last evaluated: 2025-06-30. Review status: criteria provided, single submitter. Criteria: Invitae Variant Classification Sherloc (09022015). Collection method: clinical testing. Allele origin: germline.
Comment: This sequence change creates a premature translational stop signal (p.Cys340*) in the ALB gene. It is expected to result in an absent or disrupted protein product. Loss-of-function variants in ALB are known to be pathogenic (PMID: 12028999). This variant is not present in population databases (gnomAD no frequency). This variant has not been reported in the literature in individuals affected with ALB-related conditions. Algorithms developed to predict the effect of sequence changes on RNA splicing suggest that this variant may disrupt the consensus splice site. For these reasons, this variant has been classified as Pathogenic.

Literature cited by the submitters: PubMed 12028999.